The following is an entry in ClinVar:

NM_000100.4(CSTB):c.96_98del (p.Asn32del)

Gene: CSTB (cystatin B; minus strand). Cytogenetic location: 21q22.3.
Variant type: Deletion.
Coding change: c.96_98del on transcript NM_000100.4 (MANE Select); coding-DNA positions 96 to 98, 3 bases deleted (CAA; older notation c.96_98delCAA).
Protein change: p.Asn32del; deletes asparagine 32.
Molecular consequence: inframe deletion.
Genome position (GRCh38, 1-based): chr21:43,774,728-43,774,730, TTG deleted on the plus strand (CAA on the coding strand, the reverse complement: CSTB is on the minus strand); deleting any 3 consecutive bases within chr21:43,774,728-43,774,732 gives the same sequence; the c. name uses the placement nearest the transcript's 3' end. VCF-style (leftmost placement, unchanged base first): chr21-43774727-CTTG-C. GRCh37 (hg19) VCF-style: chr21-45194608-CTTG-C.
Other names: short protein forms N32del.
Identifiers: ClinVar variation 1450585 (VCV001450585.5), dbSNP rs750620672, ClinGen allele CA10048938.

ClinVar aggregate classification (germline): Uncertain significance (1 of 4 stars; one submission).

Conditions:
Progressive myoclonic epilepsy. Also called: Familial progressive myoclonic epilepsy; Myoclonic Epilepsies, Progressive; Myoclonus epilepsy; Progressive myoclonus epilepsy. Identifiers: Orphanet 308, Orphanet 98261, MedGen C0751778, MONDO:0020074.

Submission:

Labcorp Genetics (formerly Invitae), Labcorp
Classification: Uncertain significance for Progressive myoclonic epilepsy. Last evaluated: 2022-03-05. Review status: criteria provided, single submitter. Criteria: Invitae Variant Classification Sherloc (09022015). Collection method: clinical testing. Allele origin: germline.
Comment: This variant, c.96_98del, results in the deletion of 1 amino acid(s) of the CSTB protein (p.Asn32del), but otherwise preserves the integrity of the reading frame. This variant is present in population databases (rs750620672, gnomAD 0.003%). This variant has not been reported in the literature in individuals affected with CSTB-related conditions. Experimental studies and prediction algorithms are not available or were not evaluated, and the functional significance of this variant is currently unknown. In summary, the available evidence is currently insufficient to determine the role of this variant in disease. Therefore, it has been classified as a Variant of Uncertain Significance.